The following is an entry in ClinVar:

ClinVar aggregate classification (germline): Uncertain significance (1 of 4 stars; one submission).

Conditions:
Spondyloepiphyseal dysplasia with congenital joint dislocations (SEDCJD). Also called: Chondrodysplasia with Congenital Joint Dislocations, CHST3-Related. Identifiers: Orphanet 263463, MedGen C1837657, MONDO:0007738, OMIM 143095.

Allele frequency attached by ClinVar (database versions not stated): gnomAD exomes below 0.00001; gnomAD 0.00001; TOPMed 0.00001.
gnomAD v4.1: 4 of 1,606,348 alleles (0.00025%); highest among the groups gnomAD compares: East Asian, 0.0022%; no homozygotes.

Submission:

Labcorp Genetics (formerly Invitae), Labcorp
Classification: Uncertain significance for Spondyloepiphyseal dysplasia with congenital joint dislocations. Last evaluated: 2022-09-27. Review status: criteria provided, single submitter. Criteria: Invitae Variant Classification Sherloc (09022015). Collection method: clinical testing. Allele origin: germline.
Comment: In summary, the available evidence is currently insufficient to determine the role of this variant in disease. Therefore, it has been classified as a Variant of Uncertain Significance. Advanced modeling of protein sequence and biophysical properties (such as structural, functional, and spatial information, amino acid conservation, physicochemical variation, residue mobility, and thermodynamic stability) performed at Invitae indicates that this missense variant is not expected to disrupt CHST3 protein function. ClinVar contains an entry for this variant (Variation ID: 1398702). This variant has not been reported in the literature in individuals affected with CHST3-related conditions. This variant is present in population databases (no rsID available, gnomAD 0.006%). This sequence change replaces arginine, which is basic and polar, with leucine, which is neutral and non-polar, at codon 226 of the CHST3 protein (p.Arg226Leu).

NM_004273.5(CHST3):c.677G>T (p.Arg226Leu)

Gene: CHST3 (carbohydrate sulfotransferase 3; plus strand). Cytogenetic location: 10q22.1.
Variant type: single nucleotide variant.
Coding change: c.677G>T on transcript NM_004273.5 (MANE Select); coding-DNA position 677, G replaced by T.
Protein change: p.Arg226Leu; replaces arginine 226 with leucine.
Molecular consequence: missense variant.
Genome position (GRCh38, 1-based): chr10:72,007,708, G>T. VCF-style: chr10-72007708-G-T. GRCh37 (hg19) VCF-style: chr10-73767466-G-T.
Other names: short protein forms R226L.
Identifiers: ClinVar variation 1398702 (VCV001398702.6), dbSNP rs1287871626, ClinGen allele CA377145794.